The following is an entry in ClinVar:

ClinVar aggregate classification (germline): Uncertain significance (1 of 4 stars; one submission).

Conditions:
Hereditary cancer-predisposing syndrome. Also called: Neoplastic Syndromes, Hereditary; Tumor predisposition; Hereditary Cancer Syndrome; Hereditary neoplastic syndrome. Identifiers: Orphanet 140162, MedGen C0027672, MeSH D009386, MONDO:0015356.

Allele frequency attached by ClinVar (database versions not stated): TOPMed below 0.00001.

Submission:

Ambry Genetics
Classification: Uncertain significance for Hereditary cancer-predisposing syndrome. Last evaluated: 2022-08-22. Review status: criteria provided, single submitter. Criteria: Ambry Variant Classification Scheme 2023. Collection method: clinical testing. Allele origin: germline.
Comment: The p.T54R variant (also known as c.161C>G), located in coding exon 1 of the PHOX2B gene, results from a C to G substitution at nucleotide position 161. The threonine at codon 54 is replaced by arginine, an amino acid with similar properties. This amino acid position is conserved. In addition, the in silico prediction for this alteration is inconclusive. Since supporting evidence is limited at this time, the clinical significance of this alteration remains unclear.

NM_003924.4(PHOX2B):c.161C>G (p.Thr54Arg)

Genes: PHOX2B-AS1 (PHOX2B antisense RNA 1; plus strand), PHOX2B (paired like homeobox 2B; minus strand). Cytogenetic location: 4p13.
Variant type: single nucleotide variant.
Coding change: c.161C>G on transcript NM_003924.4 (MANE Select); coding-DNA position 161, C replaced by G.
Protein change: p.Thr54Arg; replaces threonine 54 with arginine.
Molecular consequence: missense variant.
Genome position (GRCh38, 1-based): chr4:41,748,450, G>C on the plus strand (C>G on the coding strand, the complement: PHOX2B is on the minus strand). VCF-style: chr4-41748450-G-C. GRCh37 (hg19) VCF-style: chr4-41750467-G-C.
Other names: short protein forms T54R.
Identifiers: ClinVar variation 1776569 (VCV001776569.2), dbSNP rs1733982603, ClinGen allele CA356740948.
Genomic context (GRCh38, chr4:41,748,450, plus strand): 5'-TGGTGGTCCCTGAGGGTGCCCAGGCTGCAGGATCCCGGCGTGAGGGAAGGGCAGCCGGAC[G>C]TGGCCCCAAAAGTGGTCCTTATCGGGTTATACTGGAAGCCACTGGCCTGGCTGCAGGAAC-3'
Protein context (NP_003915.2, residues 44-64): YNPIRTTFGA[Thr54Arg]SGCPSLTPGS